The following is an entry in ClinVar:

NM_001042492.3(NF1):c.2175A>C (p.Glu725Asp)

Gene: NF1 (neurofibromin 1; plus strand). Cytogenetic location: 17q11.2.
Variant type: single nucleotide variant.
Coding change: c.2175A>C on transcript NM_001042492.3 (MANE Select); coding-DNA position 2175, A replaced by C.
Protein change: p.Glu725Asp; replaces glutamic acid 725 with aspartic acid.
Molecular consequence: missense variant.
Genome position (GRCh38, 1-based): chr17:31,226,608, A>C. VCF-style: chr17-31226608-A-C. GRCh37 (hg19) VCF-style: chr17-29553626-A-C.
Other names: c.2175A>C, p.Glu725Asp (NM_000267.4); short protein forms E725D.
Identifiers: ClinVar variation 2057220 (VCV002057220.5), dbSNP rs1555613817, ClinGen allele CA398982424.

ClinVar aggregate classification (germline): Uncertain significance. Review status: criteria provided, multiple submitters, no conflicts (2 of 4 stars). 2 submissions from 2 submitters: Uncertain significance (2). Last evaluated 2025-02-10.

Conditions:
Neurofibromatosis, type 1 (NF1). Also called: NEUROFIBROMATOSIS, TYPE I, SOMATIC; VON RECKLINGHAUSEN DISEASE; Peripheral type neurofibromatosis; Neurofibromatosis, type I. Identifiers: Orphanet 636, MedGen C0027831, MONDO:0018975, OMIM 162200. Disease mechanism: loss of function.
Hereditary cancer-predisposing syndrome. Also called: Neoplastic Syndromes, Hereditary; Hereditary Cancer Syndrome; Tumor predisposition; Hereditary neoplastic syndrome. Identifiers: Orphanet 140162, MedGen C0027672, MeSH D009386, MONDO:0015356.
Cardiovascular phenotype. Identifiers: MedGen CN230736.

Submissions (2):

Ambry Genetics
Classification: Uncertain significance for Cardiovascular phenotype; Hereditary cancer-predisposing syndrome. Last evaluated: 2025-02-10. Review status: criteria provided, single submitter. Criteria: Ambry Variant Classification Scheme 2023. Collection method: clinical testing. Allele origin: germline.
Comment: The p.E725D variant (also known as c.2175A>C), located in coding exon 18 of the NF1 gene, results from an A to C substitution at nucleotide position 2175. The glutamic acid at codon 725 is replaced by aspartic acid, an amino acid with highly similar properties. This amino acid position is conserved. In addition, this alteration is predicted to be tolerated by in silico analysis. Based on the available evidence, the clinical significance of this variant remains unclear.

Labcorp Genetics (formerly Invitae), Labcorp
Classification: Uncertain significance for Neurofibromatosis, type 1. Last evaluated: 2021-12-24. Review status: criteria provided, single submitter. Criteria: Invitae Variant Classification Sherloc (09022015). Collection method: clinical testing. Allele origin: germline.
Comment: In summary, the available evidence is currently insufficient to determine the role of this variant in disease. Therefore, it has been classified as a Variant of Uncertain Significance. Advanced modeling of protein sequence and biophysical properties (such as structural, functional, and spatial information, amino acid conservation, physicochemical variation, residue mobility, and thermodynamic stability) performed at Invitae indicates that this missense variant is not expected to disrupt NF1 protein function. This variant has not been reported in the literature in individuals affected with NF1-related conditions. This variant is not present in population databases (gnomAD no frequency). This sequence change replaces glutamic acid, which is acidic and polar, with aspartic acid, which is acidic and polar, at codon 725 of the NF1 protein (p.Glu725Asp).